The following is an entry in ClinVar:

NM_000152.5(GAA):c.352C>T (p.Gln118Ter)

Gene: GAA (alpha glucosidase; plus strand). Cytogenetic location: 17q25.3.
Variant type: single nucleotide variant.
Coding change: c.352C>T on transcript NM_000152.5 (MANE Select); coding-DNA position 352, C replaced by T.
Protein change: p.Gln118Ter; replaces glutamine 118 with a stop codon.
Molecular consequence: nonsense.
Genome position (GRCh38, 1-based): chr17:80,104,938, C>T. VCF-style: chr17-80104938-C-T. GRCh37 (hg19) VCF-style: chr17-78078737-C-T.
Other names: c.352C>T (LRG_673t1); c.352C>T, p.Gln118Ter (NM_001079803.3, NM_001079804.3); short protein forms Q118*.
Identifiers: ClinVar variation 553894 (VCV000553894.6), dbSNP rs1555598800, ClinGen allele CA401360858.

ClinVar aggregate classification (germline): Pathogenic. Review status: reviewed by expert panel (3 of 4 stars). 3 submissions from 3 submitters: Pathogenic (1). 2 of the submissions do not count toward it. Last evaluated 2020-05-19.

Conditions:
Glycogen storage disease, type II (IOPD). Also called: POMPE DISEASE, INFANTILE-ONSET; GLYCOGEN STORAGE DISEASE II, INFANTILE-ONSET; ACID ALPHA-GLUCOSIDASE DEFICIENCY, INFANTILE-ONSET; GAA DEFICIENCY, INFANTILE-ONSET; ACID MALTASE DEFICIENCY, INFANTILE-ONSET; CARDIOMEGALIA GLYCOGENICA DIFFUSA. Identifiers: Orphanet 365, MedGen C0017921, MONDO:0009290, OMIM 232300.

Submissions (3):

ClinGen Lysosomal Storage Disorder Variant Curation Expert Panel
Classification: Pathogenic for Glycogen storage disease, type II. Last evaluated: 2020-05-19. Review status: reviewed by expert panel. Criteria: ClinGen LSD ACMG Specifications v1. Collection method: curation. Allele origin: germline. Inheritance: Autosomal recessive inheritance.
Comment: This variant, c.352C>T (p.Gln118Ter), is a nonsense variant that is predicted to cause nonsense mediated decay and lack of gene product, meeting PVS1. The variant is absent in gnomAD v2.1.1, meeting PM2. It has been reported in a patient with Pompe disease that meets the ClinGen LSD VCEP's PP4 specifications (PMID 22252923, personal communication). There is a ClinVar entry for this variant (Variation ID: 553894; 1 star review status) with one submitter classifying the variant as likely pathogenic. In summary, this variant meets the criteria to be classified as pathogenic for Pompe disease. GAA-specific ACMG/AMP criteria applied, as specified by the ClinGen LSD VCEP: PVS1, PM2, PP4.

Genomenon, Inc
Classification: Pathogenic for Glycogen storage disease, type II. Last evaluated: 2026-07-01. Review status: criteria provided, single submitter. Criteria: Genomenon Sequence Variant Interpretation Standards - Updated. Collection method: curation. Allele origin: germline. Affected: yes. Not counted in ClinVar's aggregate classification.
Comment: GAA p.Gln118Ter (c.352C>T) is a nonsense variant that introduces a premature stop codon at amino acid position 118 and is predicted to result in a truncated or absent protein product. This variant has been observed in at least one proband with a GAA-related disorder (PMID:22252923). It is absent or not present at a significant frequency in gnomAD. In conclusion, we classify GAA p.Gln118Ter (c.352C>T) as a pathogenic variant.

Counsyl
Classification: Likely pathogenic for Glycogen storage disease, type II. Last evaluated: 2017-09-18. Review status: no assertion criteria provided. Collection method: clinical testing. Allele origin: unknown. Not counted in ClinVar's aggregate classification.

Literature cited by the submitters: PubMed 31342611 (cited by ClinGen Lysosomal Storage Disorder Variant Curation Expert Panel); PubMed 22252923 (cited by 3 submitters).